The following is an entry in ClinVar:

NM_004958.4(MTOR):c.3404C>G (p.Ala1135Gly)

Gene: MTOR (mechanistic target of rapamycin kinase; minus strand). Cytogenetic location: 1p36.22.
Variant type: single nucleotide variant.
Coding change: c.3404C>G on transcript NM_004958.4 (MANE Select); coding-DNA position 3404, C replaced by G.
Protein change: p.Ala1135Gly; replaces alanine 1135 with glycine.
Molecular consequence: missense variant.
Genome position (GRCh38, 1-based): chr1:11,212,469, G>C on the plus strand (C>G on the coding strand, the complement: MTOR is on the minus strand). VCF-style: chr1-11212469-G-C. GRCh37 (hg19) VCF-style: chr1-11272526-G-C.
Other names: c.3404C>G, p.Ala1135Gly (NM_001386500.1); c.2156C>G, p.Ala719Gly (NM_001386501.1); c.3404C>G (NM_004958.3); short protein forms A1135G, A719G.
Identifiers: ClinVar variation 1104897 (VCV001104897.10), dbSNP rs1646342863, ClinGen allele CA338373473.
Genomic context (GRCh38, chr1:11,212,469, plus strand): 5'-ATCCGGGAGGCATAGTCAGTGAAATCCAGGGACTCCGTCAGGCGGTCCACAGTCTCTAGC[G>C]CTGCCCTACAACAATCACTAACATACAGTAACTGCTAACATACAATCTCCAAGGAAGAGA-3'
Protein context (NP_004949.1, residues 1125-1145): PEAPLPSRKA[Ala1135Gly]LETVDRLTES

ClinVar aggregate classification (germline): Conflicting classifications of pathogenicity. Review status: criteria provided, conflicting classifications (1 of 4 stars). 2 submissions from 2 submitters: Uncertain significance (1); Likely benign (1). Last evaluated 2024-01-20.

gnomAD v4.1: 2 of 1,613,078 alleles (0.00012%); highest among the groups gnomAD compares: Admixed American, 0.0033%; no homozygotes.

Submissions (2):

GeneDx
Classification: Uncertain significance. Last evaluated: 2024-01-20. Review status: criteria provided, single submitter. Criteria: GeneDx Variant Classification Process June 2021. Collection method: clinical testing. Allele origin: germline. Affected: yes.
Comment: In silico analysis supports that this missense variant has a deleterious effect on protein structure/function; Has not been previously published as pathogenic or benign to our knowledge

Labcorp Genetics (formerly Invitae), Labcorp
Classification: Likely benign. Last evaluated: 2022-07-06. Review status: criteria provided, single submitter. Criteria: Invitae Variant Classification Sherloc (09022015). Collection method: clinical testing. Allele origin: germline.